The following is an entry in ClinVar:

NM_014314.4(RIGI):c.2286T>A (p.Asn762Lys)

Gene: RIGI (RNA sensor RIG-I; minus strand). Cytogenetic location: 9p21.1.
Variant type: single nucleotide variant.
Coding change: c.2286T>A on transcript NM_014314.4 (MANE Select); coding-DNA position 2286, T replaced by A.
Protein change: p.Asn762Lys; replaces asparagine 762 with lysine.
Molecular consequence: missense variant.
Genome position (GRCh38, 1-based): chr9:32,466,341, A>T on the plus strand (T>A on the coding strand, the complement: RIGI is on the minus strand). VCF-style: chr9-32466341-A-T. GRCh37 (hg19) VCF-style: chr9-32466339-A-T.
Other names: c.2280T>A, p.Asn760Lys (NM_001385907.1); c.2115T>A, p.Asn705Lys (NM_001385909.1); c.1845T>A, p.Asn615Lys (NM_001385910.1); c.1677T>A, p.Asn559Lys (NM_001385912.1); c.2271T>A, p.Asn757Lys (NM_001385913.1); c.1842T>A, p.Asn614Lys (NM_001385914.1); c.2286T>A (NM_014314.3); short protein forms N559K, N614K, N615K, N705K, N757K, N760K, N762K.
Identifiers: ClinVar variation 2414869 (VCV002414869.6), dbSNP rs148502654, ClinGen allele CA5019546.

ClinVar aggregate classification (germline): Uncertain significance. Review status: criteria provided, multiple submitters, no conflicts (2 of 4 stars). 2 submissions from 2 submitters: Uncertain significance (2). Last evaluated 2026-02-02.

Conditions:
Inborn genetic diseases. Identifiers: MedGen C0950123, MeSH D030342.

Allele frequency attached by ClinVar (database versions not stated): TOPMed 0.00004; gnomAD 0.00005; gnomAD exomes 0.00005; ExAC 0.00007; ESP Exome Variant Server 0.00008.
gnomAD v4.1: 85 of 1,613,550 alleles (0.0053%); highest among the groups gnomAD compares: Non-Finnish European, 0.0068%; no homozygotes.

Submissions (2):

Labcorp Genetics (formerly Invitae), Labcorp
Classification: Uncertain significance. Last evaluated: 2026-02-02. Review status: criteria provided, single submitter. Criteria: Invitae Variant Classification Sherloc (09022015). Collection method: clinical testing. Allele origin: germline.
Comment: This sequence change replaces asparagine, which is neutral and polar, with lysine, which is basic and polar, at codon 762 of the DDX58 protein (p.Asn762Lys). This variant is present in population databases (rs148502654, gnomAD 0.01%). This variant has not been reported in the literature in individuals affected with DDX58-related conditions. ClinVar contains an entry for this variant (Variation ID: 2414869). Invitae Evidence Modeling of protein sequence and biophysical properties (such as structural, functional, and spatial information, amino acid conservation, physicochemical variation, residue mobility, and thermodynamic stability) indicates that this missense variant is not expected to disrupt DDX58 protein function with a negative predictive value of 80%. In summary, the available evidence is currently insufficient to determine the role of this variant in disease. Therefore, it has been classified as a Variant of Uncertain Significance.

Ambry Genetics
Classification: Uncertain significance for Inborn genetic diseases. Last evaluated: 2022-12-01. Review status: criteria provided, single submitter. Criteria: Ambry Variant Classification Scheme 2023. Collection method: clinical testing. Allele origin: germline.